The following is an entry in ClinVar:

ClinVar aggregate classification (germline): Conflicting classifications of pathogenicity. Review status: criteria provided, conflicting classifications (1 of 4 stars). 5 submissions from 5 submitters: Pathogenic (3); Likely pathogenic (1); Uncertain significance (1). Last evaluated 2026-04-23.

Conditions:
Inborn genetic diseases. Identifiers: MedGen C0950123, MeSH D030342.
ANKRD11-related disorder. Also called: ANKRD11-related condition.
KBG syndrome (KBGS). Also called: ANKRD11-Related KBG Syndrome. Identifiers: Orphanet 2332, MedGen C0220687, MONDO:0007846, OMIM 148050.

Submissions (5):

PreventionGenetics, part of Exact Sciences
Classification: Uncertain significance for ANKRD11-related condition. Last evaluated: 2026-04-23. Review status: criteria provided, single submitter. Criteria: ACMG Guidelines, 2015. Collection method: clinical testing. Allele origin: germline.
Comment: The ANKRD11 c.7754G>A variant is predicted to result in the amino acid substitution p.Arg2585His. To our knowledge, this variant has not been reported in the literature or in gnomAD, indicating this variant is rare. However, a different variant at the same amino acid residue (p.Arg2585Cys) was reported in three individuals with KBG syndrome and resulted in reduced proteosome degradation (de Boer et al. 2022. PubMed ID: 35833929, Martinez-Cayuelas et al. 2022. PubMed ID: 36446582). At this time, the clinical significance of this variant is uncertain due to the absence of conclusive functional and genetic evidence.

Ambry Genetics
Classification: Pathogenic for Inborn genetic diseases. Last evaluated: 2025-09-05. Review status: criteria provided, single submitter. Criteria: Ambry Variant Classification Scheme 2023. Collection method: clinical testing. Allele origin: germline.
Comment: The c.7754G>A (p.R2585H) alteration is located in exon 12 (coding exon 10) of the ANKRD11 gene. This alteration results from a G to A substitution at nucleotide position 7754, causing the arginine (R) at amino acid position 2585 to be replaced by a histidine (H). This variant was not reported in population-based cohorts in the Genome Aggregation Database (gnomAD). This variant was reported in individual(s) with features consistent with KBG syndrome; in at least one individual, it was determined to be de novo (External communication). Anther variant at the same codon, c.7753C>T (p.R2585C), has been identified in individual(s) with features consistent with KBG syndrome (Martinez-Cayuelas, 2023). This amino acid position is highly conserved in available vertebrate species. This alteration is predicted to be deleterious by in silico analysis. Based on the available evidence, this alteration is classified as pathogenic.

GeneDx
Classification: Pathogenic. Last evaluated: 2025-07-02. Review status: criteria provided, single submitter. Criteria: GeneDx Variant Classification Process June 2021. Collection method: clinical testing. Allele origin: germline. Affected: yes.
Comment: Not observed at significant frequency in large population cohorts (gnomAD); In silico analysis supports that this missense variant has a deleterious effect on protein structure/function; This variant is associated with the following publications: (PMID: 36446582, 38719651)

3billion
Classification: Likely pathogenic for ANKRD11-related disorder. Last evaluated: 2025-05-12. Review status: criteria provided, single submitter. Criteria: ACMG Guidelines, 2015. Collection method: clinical testing. Allele origin: germline. Affected: yes.
Comment: The variant is not observed in the gnomAD v4.1.0 dataset. Predicted Consequence/Location: Missense variant. The majority of the known disease-causing variants of this gene are variants expected to result in premature termination of the protein. In silico tool predictions suggest damaging effect of the variant on gene or gene product [REVEL: 0.66 (>=0.6, sensitivity 0.68 and specificity 0.92); 3Cnet: 0.91 (> 0.75, sensitivity 0.96 and precision 0.92)]. The same nucleotide change resulting in the same amino acid change has been previously reported as pathogenic/likely pathogenic with strong evidence (ClinVar ID: VCV002506622). A different missense change at the same codon (p.Arg2585Cys) has been reported to be associated with ANKRD11-related disorder (PMID: 35833929). Therefore, this variant is classified as Likely pathogenic according to the recommendation of ACMG/AMP guideline.

Laboratoire de Génétique Moléculaire, CHU Bordeaux
Classification: Pathogenic for KBG syndrome. Last evaluated: 2023-03-01. Review status: criteria provided, single submitter. Criteria: ACMG Guidelines, 2015. Collection method: clinical testing. Allele origin: germline. Affected: yes.

Literature cited by the submitters: PubMed 36446582 (cited by Ambry Genetics); PubMed 35833929 (cited by 3billion).

NM_013275.6(ANKRD11):c.7754G>A (p.Arg2585His)

Gene: ANKRD11 (ankyrin repeat domain 11; minus strand). Cytogenetic location: 16q24.3.
Variant type: single nucleotide variant.
Coding change: c.7754G>A on transcript NM_013275.6 (MANE Select); coding-DNA position 7754, G replaced by A.
Protein change: p.Arg2585His; replaces arginine 2585 with histidine.
Molecular consequence: missense variant.
Genome position (GRCh38, 1-based): chr16:89,270,869, C>T on the plus strand (G>A on the coding strand, the complement: ANKRD11 is on the minus strand). VCF-style: chr16-89270869-C-T. GRCh37 (hg19) VCF-style: chr16-89337277-C-T.
Other names: c.7754G>A (NM_013275.4); c.7754G>A, p.Arg2585His (NM_001256182.2, NM_001256183.2); short protein forms R2585H.
Identifiers: ClinVar variation 2506622 (VCV002506622.9), dbSNP rs1567537296, ClinGen allele CA397146563.
Genomic context (GRCh38, chr16:89,270,869, plus strand): 5'-ACACCGACCTTCATGCGGTCATACTTGTCATCCACGTCCTGGAGCCAGGAGATGAACTGG[C>T]GGGCGTTGAAACGGTCGCGCACTGACTTGTTCTCGTCACCCTGTGGAAACCAAACACGGG-3'
Protein context (NP_037407.4, residues 2575-2595): NKSVRDRFNA[Arg2585His]QFISWLQDVD